The following is an entry in ClinVar:

ClinVar aggregate classification (germline): Likely benign (1 of 4 stars; one submission).

gnomAD v4.1: 1 of 1,535,994 alleles (0.000065%); highest among the groups gnomAD compares: African/African-American, 0.0014%; no homozygotes.

Submission:

CeGaT Center for Human Genetics Tuebingen
Classification: Likely benign. Last evaluated: 2026-02-01. Review status: criteria provided, single submitter. Criteria: CeGaT Center For Human Genetics Tuebingen Variant Classification Criteria Version 2. Collection method: clinical testing. Allele origin: germline. Affected: yes. Observed: 1 variant allele.
Comment: TAMM41: BP4, BP7

NM_001284401.2(TAMM41):c.937+224C>T

Gene: TAMM41 (TAM41 mitochondrial translocator assembly and maintenance homolog). Cytogenetic location: 3p25.2.
Variant type: single nucleotide variant.
Coding change: c.937+224C>T on transcript NM_001284401.2 (MANE Select); 224 bases into the intron after coding-DNA position 937, C replaced by T.
Molecular consequence: intron variant. On other transcripts: synonymous variant (1).
Genome position (GRCh38, 1-based): chr3:11,807,609, G>A on the plus strand (C>T on the coding strand, the complement: TAMM41 is on the minus strand). VCF-style: chr3-11807609-G-A. GRCh37 (hg19) VCF-style: chr3-11849083-G-A.
Other names: c.1161C>T, p.Cys387= (NM_001394474.1); c.874+1908C>T (NM_138807.4); c.814+224C>T (NM_001321294.2); c.439+224C>T (NM_001321295.2).
Identifiers: ClinVar variation 4823178 (VCV004823178.4).